The following is an entry in ClinVar:

ClinVar aggregate classification (germline): Uncertain significance. Review status: criteria provided, multiple submitters, no conflicts (2 of 4 stars). 2 submissions from 2 submitters: Uncertain significance (2). Last evaluated 2023-09-05.

Conditions:
Tumor predisposition syndrome 3 (TPDS3). Also called: Melanoma, cutaneous malignant, susceptibility to, 10; Glioma susceptibility 9; LONG TELOMERE SYNDROME, POT1-RELATED; POT1 Tumor Predisposition. Identifiers: Orphanet 618, MedGen C4014476, MONDO:0014368, OMIM 615848.
Hereditary cancer-predisposing syndrome. Also called: Tumor predisposition; Neoplastic Syndromes, Hereditary; Hereditary Cancer Syndrome; Hereditary neoplastic syndrome. Identifiers: Orphanet 140162, MedGen C0027672, MeSH D009386, MONDO:0015356.

Allele frequency attached by ClinVar (database versions not stated): gnomAD exomes below 0.00001.
gnomAD v4.1: 1 of 1,603,296 alleles (0.000062%); highest among the groups gnomAD compares: East Asian, 0.0023%; no homozygotes.

Submissions (2):

Ambry Genetics
Classification: Uncertain significance for Hereditary cancer-predisposing syndrome. Last evaluated: 2023-09-05. Review status: criteria provided, single submitter. Criteria: Ambry Variant Classification Scheme 2023. Collection method: clinical testing. Allele origin: germline.
Comment: The p.T48A variant (also known as c.142A>G), located in coding exon 3 of the POT1 gene, results from an A to G substitution at nucleotide position 142. The threonine at codon 48 is replaced by alanine, an amino acid with similar properties. This amino acid position is conserved. In addition, this alteration is predicted to be tolerated by in silico analysis. Since supporting evidence is limited at this time, the clinical significance of this alteration remains unclear.

Labcorp Genetics (formerly Invitae), Labcorp
Classification: Uncertain significance for Tumor predisposition syndrome 3. Last evaluated: 2023-02-24. Review status: criteria provided, single submitter. Criteria: Invitae Variant Classification Sherloc (09022015). Collection method: clinical testing. Allele origin: germline.
Comment: Advanced modeling of protein sequence and biophysical properties (such as structural, functional, and spatial information, amino acid conservation, physicochemical variation, residue mobility, and thermodynamic stability) performed at Invitae indicates that this missense variant is not expected to disrupt POT1 protein function. In summary, the available evidence is currently insufficient to determine the role of this variant in disease. Therefore, it has been classified as a Variant of Uncertain Significance. This sequence change replaces threonine, which is neutral and polar, with alanine, which is neutral and non-polar, at codon 48 of the POT1 protein (p.Thr48Ala). The frequency data for this variant in the population databases is considered unreliable, as metrics indicate poor data quality at this position in the gnomAD database. This variant has not been reported in the literature in individuals affected with POT1-related conditions. ClinVar contains an entry for this variant (Variation ID: 1399092).

NM_015450.3(POT1):c.142A>G (p.Thr48Ala)

Gene: POT1 (protection of telomeres 1; minus strand). Cytogenetic location: 7q31.33.
Variant type: single nucleotide variant.
Coding change: c.142A>G on transcript NM_015450.3 (MANE Select); coding-DNA position 142, A replaced by G.
Protein change: p.Thr48Ala; replaces threonine 48 with alanine.
Molecular consequence: missense variant. On other transcripts: non-coding transcript variant (3), intron variant (1).
Genome position (GRCh38, 1-based): chr7:124,871,024, T>C on the plus strand (A>G on the coding strand, the complement: POT1 is on the minus strand). VCF-style: chr7-124871024-T-C. GRCh37 (hg19) VCF-style: chr7-124511078-T-C.
Other names: c.-138-7384A>G (NM_001042594.2); c.142A>G (NM_015450.2); short protein forms T48A.
Identifiers: ClinVar variation 1399092 (VCV001399092.8), dbSNP rs1298555006, ClinGen allele CA369061685.